The following is an entry in ClinVar:

ClinVar aggregate classification (germline): Pathogenic (1 of 4 stars; one submission).

Allele frequency attached by ClinVar (database versions not stated): gnomAD exomes below 0.00001.

Submission:

Labcorp Genetics (formerly Invitae), Labcorp
Classification: Pathogenic. Last evaluated: 2021-06-04. Review status: criteria provided, single submitter. Criteria: Invitae Variant Classification Sherloc (09022015). Collection method: clinical testing. Allele origin: germline.
Comment: This sequence change creates a premature translational stop signal (p.Gln1286*) in the ATR gene. It is expected to result in an absent or disrupted protein product. Loss-of-function variants in ATR are known to be pathogenic (PMID: 21228398, 23144622). This variant is not present in population databases (ExAC no frequency). This variant has not been reported in the literature in individuals with ATR-related conditions. For these reasons, this variant has been classified as Pathogenic.

Literature cited by the submitters: PubMed 21228398; PubMed 23144622.

NM_001184.4(ATR):c.3856C>T (p.Gln1286Ter)

Gene: ATR (ATR checkpoint kinase; minus strand). Cytogenetic location: 3q23.
Variant type: single nucleotide variant.
Coding change: c.3856C>T on transcript NM_001184.4 (MANE Select); coding-DNA position 3856, C replaced by T.
Protein change: p.Gln1286Ter; replaces glutamine 1286 with a stop codon.
Molecular consequence: nonsense.
Genome position (GRCh38, 1-based): chr3:142,535,169, G>A on the plus strand (C>T on the coding strand, the complement: ATR is on the minus strand). VCF-style: chr3-142535169-G-A. GRCh37 (hg19) VCF-style: chr3-142254011-G-A.
Other names: c.3664C>T, p.Gln1222Ter (NM_001354579.2); short protein forms Q1286*, Q1222*.
Identifiers: ClinVar variation 1453747 (VCV001453747.6), dbSNP rs2108425112, ClinGen allele CA354806303.